The following is an entry in ClinVar:

NM_000257.4(MYH7):c.3134G>A (p.Arg1045His)

Gene: MYH7 (myosin heavy chain 7; minus strand). Cytogenetic location: 14q11.2.
Variant type: single nucleotide variant.
Coding change: c.3134G>A on transcript NM_000257.4 (MANE Select); coding-DNA position 3134, G replaced by A.
Protein change: p.Arg1045His; replaces arginine 1045 with histidine.
Molecular consequence: missense variant.
Genome position (GRCh38, 1-based): chr14:23,422,291, C>T on the plus strand (G>A on the coding strand, the complement: MYH7 is on the minus strand). VCF-style: chr14-23422291-C-T. GRCh37 (hg19) VCF-style: chr14-23891500-C-T.
Other names: c.3134G>A (NM_000257.2); short protein forms R1045H.
Identifiers: ClinVar variation 651054 (VCV000651054.27), dbSNP rs397516178, ClinGen allele CA035801.

ClinVar aggregate classification (germline): Conflicting classifications of pathogenicity. Review status: criteria provided, conflicting classifications (1 of 4 stars). 10 submissions from 10 submitters: Pathogenic (2); Likely pathogenic (3); Uncertain significance (5). Last evaluated 2026-03-23.

Conditions:
Hypertrophic cardiomyopathy 1 (CMH1). Also called: Familial hypertrophic cardiomyopathy 1; MYH7-Related Familial Hypertrophic Cardiomyopathy. Identifiers: MedGen C3495498, MONDO:0008647, OMIM 192600.
Dilated cardiomyopathy 1S (CMD1S). Identifiers: Orphanet 154, Orphanet 54260, MedGen C1834481, MONDO:0013262, OMIM 613426.
Myopathy, myosin storage, autosomal recessive (CMYO7B). Also called: CONGENITAL MYOPATHY 7B, MYOSIN STORAGE, AUTOSOMAL RECESSIVE. Identifiers: Orphanet 636970, MedGen C1850709, MONDO:0009708, OMIM 255160.
Myosin storage myopathy (CMYO7A). Also called: MYOPATHY, HYALINE BODY, AUTOSOMAL DOMINANT; SCAPULOPERONEAL MUSCULAR DYSTROPHY; SCAPULOPERONEAL SYNDROME, MYOPATHIC TYPE; MYOPATHY WITH LYSIS OF TYPE I MYOFIBRILS; Scapuloperoneal myopathy, MYH7-related; MYH7-related late-onset scapuloperoneal muscular dystrophy. Identifiers: Orphanet 437572, Orphanet 636965, MedGen C1842160, MONDO:0008409, OMIM 608358.
MYH7-related skeletal myopathy. Also called: Laing distal myopathy; Myopathy, distal, 1; Laing early-onset distal myopathy; MYOPATHY, DISTAL, EARLY-ONSET, AUTOSOMAL DOMINANT; MYOPATHY, LATE DISTAL HEREDITARY. Identifiers: Orphanet 59135, MedGen C4552004, MONDO:0008050, OMIM 160500.
Cardiovascular phenotype. Identifiers: MedGen CN230736.
Cardiomyopathy (CMYO). Also called: Cardiomyopathies. Identifiers: Orphanet 167848, MedGen C0878544, MONDO:0004994, HP:0001638. Inheritance: Various modes of inheritance.
Hypertrophic cardiomyopathy. Also called: HYPERTROPHIC MYOCARDIOPATHY. Identifiers: Orphanet 217569, MedGen C0007194, MeSH D002312, MONDO:0005045, HP:0001639.

Allele frequency attached by ClinVar (database versions not stated): gnomAD 0.00003; TOPMed 0.00005.
gnomAD v4.1: 21 of 1,614,052 alleles (0.0013%); highest among the groups gnomAD compares: East Asian, 0.013%; no homozygotes.

Submissions (10):

Women's Health and Genetics/Laboratory Corporation of America, LabCorp
Classification: Pathogenic for Cardiomyopathy. Last evaluated: 2026-03-23. Review status: criteria provided, single submitter. Criteria: LabCorp Variant Classification Summary - May 2015. Collection method: clinical testing. Allele origin: germline.
Comment: Variant summary: MYH7 c.3134G>A (p.Arg1045His) results in a non-conservative amino acid change in the encoded protein sequence. Algorithms developed to predict the effect of missense changes on protein structure and function all suggest that this variant is likely to be disruptive. The variant allele was found at a frequency of 3.6e-05 in 251460 control chromosomes. c.3134G>A has been observed in individual(s) affected with Cardiomyopathy. These data indicate that the variant is likely to be associated with disease. A different variant affecting the same codon has been classified as pathogenic (c.3133C>T, p.Arg1045Cys), supporting the critical relevance of codon 1045 to MYH7 protein function. The following publications have been ascertained in the context of this evaluation (PMID: 19659763, 26199943, 27247418). ClinVar contains an entry for this variant (Variation ID: 651054). Based on the evidence outlined above, the variant was classified as pathogenic.

Ambry Genetics
Classification: Likely pathogenic for Cardiovascular phenotype. Last evaluated: 2026-01-09. Review status: criteria provided, single submitter. Criteria: Ambry Variant Classification Scheme 2023. Collection method: clinical testing. Allele origin: germline.
Comment: The c.3134G>A (p.R1045H) alteration is located in exon 25 (coding exon 23) of the MYH7 gene. This alteration results from a G to A substitution at nucleotide position 3134, causing the arginine (R) at amino acid position 1045 to be replaced by a histidine (H). Based on data from gnomAD, the A allele has an overall frequency of 0.004% (10/282840) total alleles studied. The highest observed frequency was 0.02% (4/19952) of East Asian alleles. This variant was reported in individual(s) with features consistent with MYH7-related cardiomyopathy (Frisso, 2009; Berge, 2014; Murphy, 2016; Wang, 2019; Filatova, 2021; Wu, 2021; Zhang, 2021; Beecher, 2022; Stava, 2022; Borrelli, 2024). This amino acid position is highly conserved in available vertebrate species. This alteration is predicted to be deleterious by in silico analysis. Based on the available evidence, this alteration is classified as likely pathogenic.

Labcorp Genetics (formerly Invitae), Labcorp
Classification: Pathogenic for Hypertrophic cardiomyopathy. Last evaluated: 2025-09-19. Review status: criteria provided, single submitter. Criteria: Invitae Variant Classification Sherloc (09022015). Collection method: clinical testing. Allele origin: germline.
Comment: This sequence change replaces arginine, which is basic and polar, with histidine, which is basic and polar, at codon 1045 of the MYH7 protein (p.Arg1045His). This variant is present in population databases (rs397516178, gnomAD 0.02%). This missense change has been observed in individuals with hypertrophic cardiomyopathy, dilated cardiomyopathy, or arrhythmogenic cardiomyopathy (PMID: 19659763, 24111713, 26199943, 26914223, 27247418, 30385303, 30462978). It has also been observed to segregate with disease in related individuals. ClinVar contains an entry for this variant (Variation ID: 651054). Invitae Evidence Modeling of protein sequence and biophysical properties (such as structural, functional, and spatial information, amino acid conservation, physicochemical variation, residue mobility, and thermodynamic stability) indicates that this missense variant is expected to disrupt MYH7 protein function with a positive predictive value of 95%. This variant disrupts the p.Arg1045 amino acid residue in MYH7. Other variant(s) that disrupt this residue have been determined to be pathogenic (PMID: 18533079, 27247418, 27483260, 27532257). This suggests that this residue is clinically significant, and that variants that disrupt this residue are likely to be disease-causing. For these reasons, this variant has been classified as Pathogenic.

3billion
Classification: Likely pathogenic for Hypertrophic cardiomyopathy 1. Last evaluated: 2025-09-05. Review status: criteria provided, single submitter. Criteria: ACMG Guidelines, 2015. Collection method: clinical testing. Allele origin: germline. Affected: yes.
Comment: The variant is observed at an extremely low frequency in the gnomAD v4.1.0 dataset (total allele frequency: 0.001%). Predicted Consequence/Location: Missense variant In silico tool predictions suggest damaging effect of the variant on gene or gene product [REVEL: 0.94 (>=0.6, sensitivity 0.68 and specificity 0.92); 3Cnet: 0.80 (> 0.75, sensitivity 0.96 and precision 0.92)]. The same nucleotide change resulting in the same amino acid change has been previously reported as pathogenic/likely pathogenic with strong evidence (ClinVar ID: VCV000651054 /PMID: 19659763 /3billion dataset). Different missense changes at the same codon (p.Arg1045Cys, p.Arg1045Leu, p.Arg1045Ser) have been reported as pathogenic/likely pathogenic with strong evidence (ClinVar ID: VCV000042948, VCV000177753, VCV003242034 /PMID: 18533079, 25611685 /3billion dataset). Therefore, this variant is classified as Likely pathogenic according to the recommendation of ACMG/AMP guideline.

Color Diagnostics, LLC DBA Color Health
Classification: Uncertain significance for Cardiomyopathy. Last evaluated: 2025-05-13. Review status: criteria provided, single submitter. Criteria: ACMG Guidelines, 2015. Collection method: clinical testing. Allele origin: germline.
Comment: This missense variant replaces arginine with histidine at codon 1045 of the MYH7 protein. Computational prediction suggests that this variant may have deleterious impact on protein structure and function. Different variants occurring at the same position (p.Arg1045Cys, p.Arg1045Leu) are considered to be disease-causing, indicating that arginine at this position is important for MYH7 function (ClinVar variation ID: 177753, 42948). To our knowledge, functional studies have not been reported for p.Arg1045His variant. This variant has been reported in over 10 individuals affected with hypertrophic cardiomyopathy (PMID: 19659763, 24111713, 26914223, 27247418, 30462978, 31638223, 33241513, 33495597, 33586461, 34330286, 37833437). It has also been observed in multiple individuals lacking personal history of cardiomyopathy (PMID: 19659763, 26199943Color internal data). This variant has been shown to segregate with hypertrophic cardiomyopathy in 3 first-degree relatives in a family (PMID: 30462978). A majority of the affected individuals reported in the literature are of East Asian ancestry. This variant is observed at an elevated allele frequency in large population databases: 4/19952 East Asian chromosomes (0.02%) by the Genome Aggregation Database (gnomAD) and in 6/18880 East Asian chromosomes (0.03%) in the All Of Us Research Program cohort. This variant has also been observed in multiple individuals with heart disorders who carried a pathogenic variant in a gene that could explain the observed phenotype (PMID: 26199943, 30385303, 32041989). None of these individuals were described to have characteristics of hypertrophic cardiomyopathy. Although there is a suspicion for a pathogenic role, the available evidence is insufficient to determine the role of this variant in hypertrophic cardiomyopathy conclusively. Therefore, this variant is classified as Variant of Uncertain Significance.

GeneDx
Classification: Uncertain significance. Last evaluated: 2023-10-05. Review status: criteria provided, single submitter. Criteria: GeneDx Variant Classification Process June 2021. Collection method: clinical testing. Allele origin: germline. Affected: yes.
Comment: In silico analysis supports that this missense variant has a deleterious effect on protein structure/function; This variant is associated with the following publications: (PMID: 19659763, 27247418, 24111713, 26914223, 26199943, 30462978, 34598319, 30847666, 30385303, 31638223, 32041989, 31447099, 33586461, 34330286, 35653365, 36095024, 35711818, 36628841)

Molecular Diagnostic Laboratory for Inherited Cardiovascular Disease, Montreal Heart Institute
Classification: Likely pathogenic for Cardiovascular phenotype. Last evaluated: 2023-07-28. Review status: criteria provided, single submitter. Criteria: ACMG Guidelines, 2015. Collection method: clinical testing. Allele origin: germline. Affected: yes.

Blueprint Genetics
Classification: Uncertain significance. Last evaluated: 2023-05-05. Review status: criteria provided, single submitter. Criteria: ACMG Guidelines, 2015. Collection method: clinical testing. Allele origin: germline.

CHEO Genetics Diagnostic Laboratory, Children's Hospital of Eastern Ontario
Classification: Uncertain significance for Cardiomyopathy. Last evaluated: 2022-11-29. Review status: criteria provided, single submitter. Criteria: ACMG Guidelines, 2015. Collection method: clinical testing. Allele origin: germline.

Juno Genomics, Hangzhou Juno Genomics, Inc
Classification: Uncertain significance for Myosin storage myopathy; Myopathy, myosin storage, autosomal recessive; Dilated cardiomyopathy 1S; Hypertrophic cardiomyopathy 1; MYH7-related skeletal myopathy. Review status: criteria provided, single submitter. Criteria: ACMG Guidelines, 2015. Collection method: clinical testing. Allele origin: germline.
Comment: The prevalence of the variant in affected individuals is significantly increased compared to the prevalence in controls.;Multiple lines of computational evidence support a deleterious effect on the gene or gene product.;Novel missense change at an amino acid residue where a different missense change determined to be pathogenic has been seen before.

Literature cited by the submitters: PubMed 19659763 (cited by 5 submitters); PubMed 27247418 (cited by 3 submitters); PubMed 26199943 (cited by 3 submitters); PubMed 24111713 (cited by 3 submitters); PubMed 26914223 (cited by 3 submitters); PubMed 31638223 (cited by Ambry Genetics and Color Diagnostics, LLC DBA Color Health); PubMed 33586461 (cited by Ambry Genetics and Color Diagnostics, LLC DBA Color Health); PubMed 34330286 (cited by Ambry Genetics and Color Diagnostics, LLC DBA Color Health); PubMed 34598319 (cited by Ambry Genetics); PubMed 35653365 (cited by Ambry Genetics); PubMed 35711818 (cited by Ambry Genetics); PubMed 37833437 (cited by Ambry Genetics and Color Diagnostics, LLC DBA Color Health); PubMed 30385303 (cited by Labcorp Genetics (formerly Invitae), Labcorp and Color Diagnostics, LLC DBA Color Health); PubMed 30462978 (cited by Labcorp Genetics (formerly Invitae), Labcorp and Color Diagnostics, LLC DBA Color Health); PubMed 18533079 (cited by Labcorp Genetics (formerly Invitae), Labcorp and 3billion); PubMed 27483260 (cited by Labcorp Genetics (formerly Invitae), Labcorp); PubMed 27532257 (cited by Labcorp Genetics (formerly Invitae), Labcorp); PubMed 32041989 (cited by Color Diagnostics, LLC DBA Color Health); PubMed 33241513 (cited by Color Diagnostics, LLC DBA Color Health); PubMed 33495597 (cited by Color Diagnostics, LLC DBA Color Health).